The following is an entry in ClinVar:

ClinVar aggregate classification (germline): Uncertain significance. Review status: criteria provided, multiple submitters, no conflicts (2 of 4 stars). 2 submissions from 2 submitters: Uncertain significance (2). Last evaluated 2024-12-25.

Conditions:
Inborn genetic diseases. Identifiers: MedGen C0950123, MeSH D030342.
Peroxisome biogenesis disorder 2B (PBD2B). Identifiers: Orphanet 44, MedGen C3550234, MONDO:0008736, OMIM 202370.

Allele frequency attached by ClinVar (database versions not stated): gnomAD 0.00001; TOPMed 0.00001.
gnomAD v4.1: 14 of 1,613,040 alleles (0.00087%); highest among the groups gnomAD compares: Non-Finnish European, 0.001%; no homozygotes.

Submissions (2):

Ambry Genetics
Classification: Uncertain significance for Inborn genetic diseases. Last evaluated: 2024-12-25. Review status: criteria provided, single submitter. Criteria: Ambry Variant Classification Scheme 2023. Collection method: clinical testing. Allele origin: germline.

Labcorp Genetics (formerly Invitae), Labcorp
Classification: Uncertain significance for Peroxisome biogenesis disorder 2B. Last evaluated: 2022-02-08. Review status: criteria provided, single submitter. Criteria: Invitae Variant Classification Sherloc (09022015). Collection method: clinical testing. Allele origin: germline.
Comment: This sequence change replaces serine, which is neutral and polar, with phenylalanine, which is neutral and non-polar, at codon 283 of the PEX5 protein (p.Ser283Phe). This variant is present in population databases (rs370010815, gnomAD 0.002%). This variant has not been reported in the literature in individuals affected with PEX5-related conditions. ClinVar contains an entry for this variant (Variation ID: 953900). Algorithms developed to predict the effect of missense changes on protein structure and function (SIFT, PolyPhen-2, Align-GVGD) all suggest that this variant is likely to be tolerated. In summary, the available evidence is currently insufficient to determine the role of this variant in disease. Therefore, it has been classified as a Variant of Uncertain Significance.

NM_001351132.2(PEX5):c.848C>T (p.Ser283Phe)

Gene: PEX5 (peroxisomal biogenesis factor 5; plus strand). Cytogenetic location: 12p13.31.
Variant type: single nucleotide variant.
Coding change: c.848C>T on transcript NM_001351132.2 (MANE Select); coding-DNA position 848, C replaced by T.
Protein change: p.Ser283Phe; replaces serine 283 with phenylalanine.
Molecular consequence: missense variant. On other transcripts: intron variant (4).
Genome position (GRCh38, 1-based): chr12:7,203,433, C>T. VCF-style: chr12-7203433-C-T. GRCh37 (hg19) VCF-style: chr12-7356029-C-T.
Other names: c.893C>T, p.Ser298Phe (NM_001131023.2); c.737C>T, p.Ser246Phe (NM_001131024.2, NM_001351124.3, NM_001351126.2 and 7 more transcripts); c.848C>T, p.Ser283Phe (NM_001131025.2, NM_001131026.2, NM_001300789.3 and 5 more transcripts); c.782C>T, p.Ser261Phe (NM_001351135.3, NM_001351138.2); c.736-23C>T (NM_001374649.2, NM_001351140.2, NM_001351139.2); c.847-23C>T (NM_000319.5); short protein forms S283F, S261F, S246F, S298F.
Identifiers: ClinVar variation 953900 (VCV000953900.8), dbSNP rs370010815, ClinGen allele CA6426305.
Genomic context (GRCh38, chr12:7,203,433, plus strand): 5'-TGTGGGGTGGGGTGGTCATGATGGATCTCCTTTTTCTATCTGCTTTCCCTTCCTTACAGT[C>T]TGATGTCGATTTCTGGGACAAGTTGCAGGCAGAGTTGGAGGAGATGGCAAAACGGGATGC-3'
Protein context (NP_001338061.1, residues 273-293): EFERAKSAIE[Ser283Phe]DVDFWDKLQA